The following is an entry in ClinVar:

ClinVar aggregate classification (germline): Uncertain significance (1 of 4 stars; one submission).

Conditions:
Cardiovascular phenotype. Identifiers: MedGen CN230736.
Hereditary cancer-predisposing syndrome. Also called: Tumor predisposition; Hereditary neoplastic syndrome; Neoplastic Syndromes, Hereditary; Hereditary Cancer Syndrome. Identifiers: Orphanet 140162, MedGen C0027672, MeSH D009386, MONDO:0015356.

Submission:

Ambry Genetics
Classification: Uncertain significance for Cardiovascular phenotype; Hereditary cancer-predisposing syndrome. Last evaluated: 2025-04-09. Review status: criteria provided, single submitter. Criteria: Ambry Variant Classification Scheme 2023. Collection method: clinical testing. Allele origin: germline.
Comment: The p.T954S variant (also known as c.2860A>T), located in coding exon 22 of the NF1 gene, results from an A to T substitution at nucleotide position 2860. The threonine at codon 954 is replaced by serine, an amino acid with similar properties. This amino acid position is conserved. In addition, this alteration is predicted to be tolerated by in silico analysis. Based on the available evidence, the clinical significance of this variant remains unclear.

NM_001042492.3(NF1):c.2860A>T (p.Thr954Ser)

Gene: NF1 (neurofibromin 1; plus strand). Cytogenetic location: 17q11.2.
Variant type: single nucleotide variant.
Coding change: c.2860A>T on transcript NM_001042492.3 (MANE Select); coding-DNA position 2860, A replaced by T.
Protein change: p.Thr954Ser; replaces threonine 954 with serine.
Molecular consequence: missense variant.
Genome position (GRCh38, 1-based): chr17:31,229,844, A>T. VCF-style: chr17-31229844-A-T. GRCh37 (hg19) VCF-style: chr17-29556862-A-T.
Other names: c.2860A>T, p.Thr954Ser (NM_000267.4); short protein forms T954S.
Identifiers: ClinVar variation 4020133 (VCV004020133.1).
Genomic context (GRCh38, chr17:31,229,844, plus strand): 5'-TGTCTTCTGGGCATTGATGGCAAATCATTAATGTATTTGTTCTTTCTTTAGGTTTTATTG[A>T]CTGATACCAATACTCAATTTGTAGAACAAACCATAGCTATAATGAAGAACTTGCTAGATA-3'
Protein context (NP_001035957.1, residues 944-964): FFDSQGQVLL[Thr954Ser]DTNTQFVEQT